The following is an entry in ClinVar:

NM_025219.3(DNAJC5):c.479A>G (p.Gln160Arg)

Gene: DNAJC5 (DnaJ heat shock protein family (Hsp40) member C5; plus strand). Cytogenetic location: 20q13.33.
Variant type: single nucleotide variant.
Coding change: c.479A>G on transcript NM_025219.3 (MANE Select); coding-DNA position 479, A replaced by G.
Protein change: p.Gln160Arg; replaces glutamine 160 with arginine.
Molecular consequence: missense variant.
Genome position (GRCh38, 1-based): chr20:63,931,008, A>G. VCF-style: chr20-63931008-A-G. GRCh37 (hg19) VCF-style: chr20-62562361-A-G.
Other names: short protein forms Q160R.
Identifiers: ClinVar variation 2984239 (VCV002984239.3), dbSNP rs2053665273, ClinGen allele CA409720273.

ClinVar aggregate classification (germline): Uncertain significance (1 of 4 stars; one submission).

Conditions:
Neuronal ceroid lipofuscinosis. Also called: Neuronal Ceroid Lipofuscinoses. Identifiers: Orphanet 216, Orphanet 79263, MedGen C0027877, MONDO:0016295. Disease mechanism: loss of function.

Submission:

Labcorp Genetics (formerly Invitae), Labcorp
Classification: Uncertain significance for Neuronal ceroid lipofuscinosis. Last evaluated: 2024-01-24. Review status: criteria provided, single submitter. Criteria: Invitae Variant Classification Sherloc (09022015). Collection method: clinical testing. Allele origin: germline.
Comment: This sequence change replaces glutamine, which is neutral and polar, with arginine, which is basic and polar, at codon 160 of the DNAJC5 protein (p.Gln160Arg). This variant is not present in population databases (gnomAD no frequency). This variant has not been reported in the literature in individuals affected with DNAJC5-related conditions. An algorithm developed to predict the effect of missense changes on protein structure and function (PolyPhen-2) suggests that this variant is likely to be tolerated. In summary, the available evidence is currently insufficient to determine the role of this variant in disease. Therefore, it has been classified as a Variant of Uncertain Significance.